The following is an entry in ClinVar:

NM_001130438.3(SPTAN1):c.7160+4AATT[3]

Gene: SPTAN1 (spectrin alpha, non-erythrocytic 1; plus strand). Cytogenetic location: 9q34.11.
Variant type: Microsatellite.
Coding change: c.7160+4AATT[3] on transcript NM_001130438.3 (MANE Select); three copies in a row of the 4-base unit AATT starting at c.7160+4.
Molecular consequence: intron variant.
Genome position: GRCh38 VCF-style: chr9-128632721-A-AAATT. GRCh37 (hg19) VCF-style: chr9-131395000-A-AAATT.
Other names: c.7259+4AATT[3] (NM_001375318.1); c.7196+4AATT[3] (NM_001375312.2); c.7160+4AATT[3] (NM_001375311.2); c.7100+4AATT[3] (NM_001375314.2, NM_001363765.2); c.7247+4AATT[3] (NM_001375310.1); c.7223+4AATT[3] (NM_001363759.2); c.7142+4AATT[3] (NM_001375313.1); c.7145+4AATT[3] (NM_003127.4); and 1 more.
Identifiers: ClinVar variation 1917756 (VCV001917756.5), dbSNP rs554161838, ClinGen allele CA2580617104.

ClinVar aggregate classification (germline): Uncertain significance (1 of 4 stars; one submission).

Conditions:
Early-infantile DEE. Also called: Early infantile epileptic encephalopathy; Ohtahara syndrome; Early infantile epileptic encephalopathy with suppression bursts. Identifiers: Orphanet 1934, MedGen C0393706, MONDO:0800491.

Submission:

Labcorp Genetics (formerly Invitae), Labcorp
Classification: Uncertain significance for Early-infantile DEE. Last evaluated: 2022-03-11. Review status: criteria provided, single submitter. Criteria: Invitae Variant Classification Sherloc (09022015). Collection method: clinical testing. Allele origin: germline.
Comment: In summary, the available evidence is currently insufficient to determine the role of this variant in disease. Therefore, it has been classified as a Variant of Uncertain Significance. Algorithms developed to predict the effect of sequence changes on RNA splicing suggest that this variant may create or strengthen a splice site. This variant has not been reported in the literature in individuals affected with SPTAN1-related conditions. This variant is not present in population databases (gnomAD no frequency). This sequence change falls in intron 55 of the SPTAN1 gene. It does not directly change the encoded amino acid sequence of the SPTAN1 protein.